The following is an entry in ClinVar:

ClinVar aggregate classification (germline): Uncertain significance (1 of 4 stars; one submission).

Allele frequency attached by ClinVar (database versions not stated): gnomAD exomes below 0.00001; ExAC 0.00001; gnomAD 0.00001; TOPMed 0.00001.
gnomAD v4.1: 2 of 1,612,252 alleles (0.00012%); highest among the groups gnomAD compares: South Asian, 0.0011%; no homozygotes.

Submission:

Labcorp Genetics (formerly Invitae), Labcorp
Classification: Uncertain significance. Last evaluated: 2022-04-11. Review status: criteria provided, single submitter. Criteria: Invitae Variant Classification Sherloc (09022015). Collection method: clinical testing. Allele origin: germline.
Comment: In summary, the available evidence is currently insufficient to determine the role of this variant in disease. Therefore, it has been classified as a Variant of Uncertain Significance. Algorithms developed to predict the effect of missense changes on protein structure and function (SIFT, PolyPhen-2, Align-GVGD) all suggest that this variant is likely to be tolerated. This variant has not been reported in the literature in individuals affected with LOXL3-related conditions. This variant is present in population databases (rs776024001, gnomAD 0.003%). This sequence change replaces valine, which is neutral and non-polar, with isoleucine, which is neutral and non-polar, at codon 175 of the LOXL3 protein (p.Val175Ile).

NM_032603.5(LOXL3):c.523G>A (p.Val175Ile)

Genes: DOK1 (docking protein 1; plus strand), LOXL3 (lysyl oxidase like 3; minus strand). Cytogenetic location: 2p13.1.
Variant type: single nucleotide variant.
Coding change: c.523G>A on transcript NM_032603.5 (MANE Select); coding-DNA position 523, G replaced by A.
Protein change: p.Val175Ile; replaces valine 175 with isoleucine.
Molecular consequence: missense variant. On other transcripts: intron variant (2).
Genome position (GRCh38, 1-based): chr2:74,549,538, C>T on the plus strand (G>A on the coding strand, the complement: LOXL3 is on the minus strand). VCF-style: chr2-74549538-C-T. GRCh37 (hg19) VCF-style: chr2-74776665-C-T.
Other names: c.477+647G>A (NM_001289164.3); c.-358+366C>T (NM_001197260.2); short protein forms V175I.
Identifiers: ClinVar variation 2124602 (VCV002124602.4), dbSNP rs776024001, ClinGen allele CA1729147.